The following is an entry in ClinVar:

ClinVar aggregate classification (germline): Conflicting classifications of pathogenicity. Review status: criteria provided, conflicting classifications (1 of 4 stars). 3 submissions from 3 submitters: Likely pathogenic (2); Uncertain significance (1). Last evaluated 2025-03-31.

Conditions:
Very long chain acyl-CoA dehydrogenase deficiency (ACADVLD). Also called: Very Long-Chain Acyl-Coenzyme A Dehydrogenase Deficiency; VLCAD Deficiency. Identifiers: Orphanet 26793, MedGen C3887523, MONDO:0008723, OMIM 201475.

Allele frequency attached by ClinVar (database versions not stated): gnomAD exomes below 0.00001; TOPMed below 0.00001; ExAC 0.00001; gnomAD 0.00001.
gnomAD v4.1: 2 of 1,613,678 alleles (0.00012%); highest among the groups gnomAD compares: African/African-American, 0.0027%; no homozygotes.

Submissions (4):

Labcorp Genetics (formerly Invitae), Labcorp
Classification: Uncertain significance for Very long chain acyl-CoA dehydrogenase deficiency. Last evaluated: 2025-03-31. Review status: criteria provided, single submitter. Criteria: Invitae Variant Classification Sherloc (09022015). Collection method: clinical testing. Allele origin: germline.
Comment: This sequence change replaces glycine, which is neutral and non-polar, with arginine, which is basic and polar, at codon 208 of the ACADVL protein (p.Gly208Arg). This variant also falls at the last nucleotide of exon 7, which is part of the consensus splice site for this exon. This variant is present in population databases (rs748329498, gnomAD 0.007%). This missense change has been observed in individual(s) with a positive newborn screening result for ACADVL-related disease (PMID: 27209629). ClinVar contains an entry for this variant (Variation ID: 932785). An algorithm developed to predict the effect of missense changes on protein structure and function (PolyPhen-2) suggests that this variant is likely to be disruptive. Variants that disrupt the consensus splice site are a relatively common cause of aberrant splicing (PMID: 17576681, 9536098). Algorithms developed to predict the effect of sequence changes on RNA splicing suggest that this variant may disrupt the consensus splice site. In summary, the available evidence is currently insufficient to determine the role of this variant in disease. Therefore, it has been classified as a Variant of Uncertain Significance.

Baylor Genetics
Classification: Likely pathogenic for Very long chain acyl-CoA dehydrogenase deficiency. Last evaluated: 2022-06-23. Review status: criteria provided, single submitter. Criteria: ACMG Guidelines, 2015. Collection method: clinical testing. Allele origin: unknown.

Wong Mito Lab, Molecular and Human Genetics, Baylor College of Medicine
Classification: Likely pathogenic for Very long chain acyl-CoA dehydrogenase deficiency. Last evaluated: 2019-11-01. Review status: criteria provided, single submitter. Criteria: ACMG Guidelines, 2015. Collection method: clinical testing. Allele origin: germline.
Comment: The NM_000018.3:c.622G>A (NP_000009.1:p.Gly208Arg) [GRCH38: NC_000017.11:g.7221682G>A] variant in ACADVL gene is interpretated to be Likely Pathogenic based on ACMG guidelines (PMID: 25741868). This variant has been reported. This variant meets the following evidence codes reported in the ACMG guidelines: PS3, PP3. PP4

Dr. Peter K. Rogan Lab, Western University
No classification provided (evidence only). Condition: Clear cell carcinoma of kidney. Review status: no classification provided. Collection method: in vitro. Allele origin: not applicable. Functional consequence: skipped exon, retained intron. Not counted in ClinVar's aggregate classification.

Literature cited by the submitters: PubMed 27209629 (cited by Labcorp Genetics (formerly Invitae), Labcorp and Wong Mito Lab, Molecular and Human Genetics, Baylor College of Medicine); PubMed 17576681 (cited by Labcorp Genetics (formerly Invitae), Labcorp); PubMed 9536098 (cited by Labcorp Genetics (formerly Invitae), Labcorp).

NM_000018.4(ACADVL):c.622G>A (p.Gly208Arg)

Gene: ACADVL (acyl-CoA dehydrogenase very long chain; plus strand). Cytogenetic location: 17p13.1.
Variant type: single nucleotide variant.
Coding change: c.622G>A on transcript NM_000018.4 (MANE Select); coding-DNA position 622, G replaced by A.
Protein change: p.Gly208Arg; replaces glycine 208 with arginine.
Molecular consequence: missense variant.
Genome position (GRCh38, 1-based): chr17:7,221,682, G>A. VCF-style: chr17-7221682-G-A. GRCh37 (hg19) VCF-style: chr17-7125001-G-A.
Other names: c.556G>A, p.Gly186Arg (NM_001033859.3); c.691G>A, p.Gly231Arg (NM_001270447.2); c.394G>A, p.Gly132Arg (NM_001270448.2); short protein forms G186R, G132R, G208R, G231R.
Identifiers: ClinVar variation 932785 (VCV000932785.11), dbSNP rs748329498, ClinGen allele CA8337771.